The following is an entry in ClinVar:

ClinVar aggregate classification (germline): Uncertain significance. Review status: criteria provided, multiple submitters, no conflicts (2 of 4 stars). 2 submissions from 2 submitters: Uncertain significance (2). Last evaluated 2022-06-24.

Conditions:
Inborn genetic diseases. Identifiers: MedGen C0950123, MeSH D030342.
Familial hemophagocytic lymphohistiocytosis 3 (FHL3). Also called: UNC13D-Related Familial Hemophagocytic Lymphohistiocytosis (UNC13D-fHLH). Identifiers: Orphanet 540, MedGen C1837174, MONDO:0012146, OMIM 608898.

Allele frequency attached by ClinVar (database versions not stated): ExAC 0.00001; TOPMed 0.00005; gnomAD 0.00006; ESP Exome Variant Server 0.00008.
gnomAD v4.1: 94 of 1,605,788 alleles (0.0059%); highest among the groups gnomAD compares: Non-Finnish European, 0.0073%; no homozygotes.

Submissions (2):

Ambry Genetics
Classification: Uncertain significance for Inborn genetic diseases. Last evaluated: 2022-06-24. Review status: criteria provided, single submitter. Criteria: Ambry Variant Classification Scheme 2023. Collection method: clinical testing. Allele origin: germline.

Labcorp Genetics (formerly Invitae), Labcorp
Classification: Uncertain significance for Familial hemophagocytic lymphohistiocytosis 3. Last evaluated: 2021-09-17. Review status: criteria provided, single submitter. Criteria: Invitae Variant Classification Sherloc (09022015). Collection method: clinical testing. Allele origin: germline.
Comment: This sequence change replaces methionine with threonine at codon 795 of the UNC13D protein (p.Met795Thr). The methionine residue is highly conserved and there is a moderate physicochemical difference between methionine and threonine. This variant is present in population databases (rs372220517, ExAC 0.003%). This variant has not been reported in the literature in individuals affected with UNC13D-related conditions. Algorithms developed to predict the effect of missense changes on protein structure and function are either unavailable or do not agree on the potential impact of this missense change (SIFT: "Not Available"; PolyPhen-2: "Possibly Damaging"; Align-GVGD: "Not Available"). In summary, the available evidence is currently insufficient to determine the role of this variant in disease. Therefore, it has been classified as a Variant of Uncertain Significance.

NM_199242.3(UNC13D):c.2384T>C (p.Met795Thr)

Gene: UNC13D (unc-13 homolog D; minus strand). Cytogenetic location: 17q25.1.
Variant type: single nucleotide variant.
Coding change: c.2384T>C on transcript NM_199242.3 (MANE Select); coding-DNA position 2384, T replaced by C.
Protein change: p.Met795Thr; replaces methionine 795 with threonine.
Molecular consequence: missense variant.
Genome position (GRCh38, 1-based): chr17:75,833,029, A>G on the plus strand (T>C on the coding strand, the complement: UNC13D is on the minus strand). VCF-style: chr17-75833029-A-G. GRCh37 (hg19) VCF-style: chr17-73829110-A-G.
Other names: c.2384T>C (NM_199242.2); short protein forms M795T.
Identifiers: ClinVar variation 1367017 (VCV001367017.6), dbSNP rs372220517, ClinGen allele CA8772563.